The following is an entry in ClinVar:

NM_013447.4(ADGRE2):c.2057G>A (p.Trp686Ter)

Gene: ADGRE2 (adhesion G protein-coupled receptor E2; minus strand). Cytogenetic location: 19p13.12.
Variant type: single nucleotide variant.
Coding change: c.2057G>A on transcript NM_013447.4 (MANE Select); coding-DNA position 2057, G replaced by A.
Protein change: p.Trp686Ter; replaces tryptophan 686 with a stop codon.
Molecular consequence: nonsense.
Genome position (GRCh38, 1-based): chr19:14,746,930, C>T on the plus strand (G>A on the coding strand, the complement: ADGRE2 is on the minus strand). VCF-style: chr19-14746930-C-T. GRCh37 (hg19) VCF-style: chr19-14857742-C-T.
Other names: c.1883G>A, p.Trp628Ter (NM_001271052.1); c.1910G>A, p.Trp637Ter (NM_152916.2); c.1778G>A, p.Trp593Ter (NM_152917.2); short protein forms W686*, W593*, W628*, W637*.
Identifiers: ClinVar variation 1928239 (VCV001928239.5), dbSNP rs773762022, ClinGen allele CA9257508.

ClinVar aggregate classification (germline): Uncertain significance (1 of 4 stars; one submission).

Allele frequency attached by ClinVar (database versions not stated): TOPMed below 0.00001; ExAC 0.00001; gnomAD exomes 0.00001.
gnomAD v4.1: 3 of 1,613,570 alleles (0.00019%); highest among the groups gnomAD compares: Admixed American, 0.005%; no homozygotes.

Submission:

Labcorp Genetics (formerly Invitae), Labcorp
Classification: Uncertain significance. Last evaluated: 2023-08-04. Review status: criteria provided, single submitter. Criteria: Invitae Variant Classification Sherloc (09022015). Collection method: clinical testing. Allele origin: germline.
Comment: This sequence change creates a premature translational stop signal (p.Trp686*) in the ADGRE2 gene. It is expected to result in an absent or disrupted protein product. However, the current clinical and genetic evidence is not sufficient to establish whether loss-of-function variants in ADGRE2 cause disease. This variant is present in population databases (rs773762022, gnomAD 0.009%). In summary, the available evidence is currently insufficient to determine the role of this variant in disease. Therefore, it has been classified as a Variant of Uncertain Significance. Experimental studies and prediction algorithms are not available or were not evaluated, and the functional significance of this variant is currently unknown. ClinVar contains an entry for this variant (Variation ID: 1928239). This variant has not been reported in the literature in individuals affected with ADGRE2-related conditions.